The following is an entry in ClinVar:

NM_001303256.3(MORC2):c.1118A>G (p.Asn373Ser)

Gene: MORC2 (MORC family CW-type zinc finger 2; minus strand). Cytogenetic location: 22q12.2.
Variant type: single nucleotide variant.
Coding change: c.1118A>G on transcript NM_001303256.3 (MANE Select); coding-DNA position 1118, A replaced by G.
Protein change: p.Asn373Ser; replaces asparagine 373 with serine.
Molecular consequence: missense variant.
Genome position (GRCh38, 1-based): chr22:30,938,161, T>C on the plus strand (A>G on the coding strand, the complement: MORC2 is on the minus strand). VCF-style: chr22-30938161-T-C. GRCh37 (hg19) VCF-style: chr22-31334148-T-C.
Other names: c.1118A>G, p.Asn373Ser (NM_001303257.2); c.932A>G, p.Asn311Ser (NM_014941.3); short protein forms N311S, N373S.
Identifiers: ClinVar variation 663794 (VCV000663794.9), dbSNP rs762901266, ClinGen allele CA10187030.
Genomic context (GRCh38, chr22:30,938,161, plus strand): 5'-ATTTTGATCAGTCGGCTACAGTTGTAGATGAACATGCCATCCAGATCCCGGTGTTCAATG[T>C]TGACACCAAAAACAAAATTCAGTTCCTTAGGTTCTTTAAGTGCTCTAAGAAGACAAAAAA-3'
Protein context (NP_001290185.1, residues 363-383): PKELNFVFGV[Asn373Ser]IEHRDLDGMF

ClinVar aggregate classification (germline): Uncertain significance (1 of 4 stars; one submission).

Conditions:
Charcot-Marie-Tooth disease axonal type 2Z. Also called: CHARCOT-MARIE-TOOTH DISEASE, AXONAL, AUTOSOMAL DOMINANT, TYPE 2Z; CHARCOT-MARIE-TOOTH NEUROPATHY, TYPE 2Z. Identifiers: Orphanet 466768, MedGen C5569025, MONDO:0014736, OMIM 616688.

Allele frequency attached by ClinVar (database versions not stated): gnomAD exomes below 0.00001; ExAC 0.00001; gnomAD 0.00002; TOPMed 0.00002.
gnomAD v4.1: 4 of 1,614,016 alleles (0.00025%); highest among the groups gnomAD compares: African/African-American, 0.0053%; no homozygotes.

Submission:

Labcorp Genetics (formerly Invitae), Labcorp
Classification: Uncertain significance for Charcot-Marie-Tooth disease axonal type 2Z. Last evaluated: 2022-08-23. Review status: criteria provided, single submitter. Criteria: Invitae Variant Classification Sherloc (09022015). Collection method: clinical testing. Allele origin: germline.
Comment: In summary, the available evidence is currently insufficient to determine the role of this variant in disease. Therefore, it has been classified as a Variant of Uncertain Significance. Algorithms developed to predict the effect of sequence changes on RNA splicing suggest that this variant may disrupt the consensus splice site. Advanced modeling of protein sequence and biophysical properties (such as structural, functional, and spatial information, amino acid conservation, physicochemical variation, residue mobility, and thermodynamic stability) performed at Invitae indicates that this missense variant is expected to disrupt MORC2 protein function. ClinVar contains an entry for this variant (Variation ID: 663794). This variant has not been reported in the literature in individuals affected with MORC2-related conditions. This variant is present in population databases (rs762901266, gnomAD 0.008%). This sequence change replaces asparagine, which is neutral and polar, with serine, which is neutral and polar, at codon 311 of the MORC2 protein (p.Asn311Ser).